The following is an entry in ClinVar:

NM_000548.5(TSC2):c.2505C>T (p.Ala835=)

Gene: TSC2 (TSC complex subunit 2; plus strand). Cytogenetic location: 16p13.3.
Variant type: single nucleotide variant.
Coding change: c.2505C>T on transcript NM_000548.5 (MANE Select); coding-DNA position 2505, C replaced by T.
Protein change: p.Ala835=; no amino-acid change (alanine 835 retained).
Molecular consequence: synonymous variant.
Genome position (GRCh38, 1-based): chr16:2,074,349, C>T. VCF-style: chr16-2074349-C-T. GRCh37 (hg19) VCF-style: chr16-2124350-C-T.
Other names: c.1905C>T, p.Ala635= (NM_001318831.2); c.2538C>T, p.Ala846= (NM_001318832.2); c.2505C>T, p.Ala835= (NM_001363528.2, NM_001370404.1, NM_001370405.1 and 3 more transcripts); c.2394C>T, p.Ala798= (NM_001318827.2); c.2358C>T, p.Ala786= (NM_001318829.2).
Identifiers: ClinVar variation 1111798 (VCV001111798.12), dbSNP rs1200802987, ClinGen allele CA492953212.

ClinVar aggregate classification (germline): Benign/Likely benign. Review status: criteria provided, multiple submitters, no conflicts (2 of 4 stars). 3 submissions from 3 submitters: Benign (1); Likely benign (2). Last evaluated 2026-01-26.

Conditions:
Tuberous sclerosis 2 (TSC2). Identifiers: Orphanet 805, MedGen C1860707, MONDO:0013199, OMIM 613254.
Tuberous sclerosis syndrome (TSC). Also called: Tuberous sclerosis; Tuberous Sclerosis Complex. Identifiers: Orphanet 805, MedGen C0041341, MONDO:0001734.

Allele frequency attached by ClinVar (database versions not stated): gnomAD exomes below 0.00001.
gnomAD v4.1: 1 of 1,612,550 alleles (0.000062%); highest among the groups gnomAD compares: Admixed American, 0.0017%; no homozygotes.

Submissions (3):

Labcorp Genetics (formerly Invitae), Labcorp
Classification: Likely benign for Tuberous sclerosis 2. Last evaluated: 2026-01-26. Review status: criteria provided, single submitter. Criteria: Invitae Variant Classification Sherloc (09022015). Collection method: clinical testing. Allele origin: germline.

Myriad Genetics, Inc.
Classification: Benign for Tuberous sclerosis 2. Last evaluated: 2025-05-20. Review status: criteria provided, single submitter. Criteria: Myriad Autosomal Dominant, Autosomal Recessive and X-Linked Classification Criteria (2023). Collection method: clinical testing. Allele origin: unknown.
Comment: This variant is considered benign. This variant is a silent/synonymous amino acid change and it is not expected to impact splicing.

All of Us Research Program, National Institutes of Health
Classification: Likely benign for Tuberous sclerosis syndrome. Last evaluated: 2023-09-17. Review status: criteria provided, single submitter. Criteria: ACMG Guidelines, 2015. Collection method: clinical testing. Allele origin: germline. Inheritance: Autosomal dominant inheritance. Observed: 1 variant allele, 1 heterozygote.
Comment: This study involves interpretation of variants in research participants for the purpose of population health screening. Participant phenotype was not available at the time of variant classification. Additional details can be found in publication PMID: 35346344, PMCID: PMC8962531